The following is an entry in ClinVar:

ClinVar aggregate classification (germline): Uncertain significance. Review status: criteria provided, multiple submitters, no conflicts (2 of 4 stars). 2 submissions from 2 submitters: Uncertain significance (2). Last evaluated 2026-02-01.

Allele frequency attached by ClinVar (database versions not stated): gnomAD 0.00004; ExAC 0.00009; TOPMed 0.00010.

Submissions (2):

Labcorp Genetics (formerly Invitae), Labcorp
Classification: Uncertain significance. Last evaluated: 2026-02-01. Review status: criteria provided, single submitter. Criteria: Invitae Variant Classification Sherloc (09022015). Collection method: clinical testing. Allele origin: germline.
Comment: This sequence change replaces proline, which is neutral and non-polar, with serine, which is neutral and polar, at codon 153 of the SLC44A4 protein (p.Pro153Ser). This variant is present in population databases (rs142422216, gnomAD 0.01%). This variant has not been reported in the literature in individuals affected with SLC44A4-related conditions. ClinVar contains an entry for this variant (Variation ID: 2047650). Invitae Evidence Modeling of protein sequence and biophysical properties (such as structural, functional, and spatial information, amino acid conservation, physicochemical variation, residue mobility, and thermodynamic stability) indicates that this missense variant is not expected to disrupt SLC44A4 protein function with a negative predictive value of 80%. In summary, the available evidence is currently insufficient to determine the role of this variant in disease. Therefore, it has been classified as a Variant of Uncertain Significance.

Ambry Genetics
Classification: Uncertain significance. Last evaluated: 2025-01-21. Review status: criteria provided, single submitter. Criteria: Ambry Variant Classification Scheme 2023. Collection method: clinical testing. Allele origin: germline.

NM_025257.3(SLC44A4):c.457C>T (p.Pro153Ser)

Gene: SLC44A4 (solute carrier family 44 member 4; minus strand). Cytogenetic location: 6p21.33.
Variant type: single nucleotide variant.
Coding change: c.457C>T on transcript NM_025257.3 (MANE Select); coding-DNA position 457, C replaced by T.
Protein change: p.Pro153Ser; replaces proline 153 with serine.
Molecular consequence: missense variant. On other transcripts: intron variant (1).
Genome position (GRCh38, 1-based): chr6:31,874,732, G>A on the plus strand (C>T on the coding strand, the complement: SLC44A4 is on the minus strand). VCF-style: chr6-31874732-G-A. GRCh37 (hg19) VCF-style: chr6-31842509-G-A.
Other names: c.229C>T, p.Pro77Ser (NM_001178045.2); c.457C>T, p.Pro153Ser (NM_032794.1); c.342+197C>T (NM_001178044.2); c.457C>T (NM_025257.2); short protein forms P77S, P153S.
Identifiers: ClinVar variation 2047650 (VCV002047650.5), dbSNP rs142422216, ClinGen allele CA3725694.